The following is an entry in ClinVar:

ClinVar aggregate classification (germline): Pathogenic (1 of 4 stars; one submission).

Submission:

GeneDx
Classification: Pathogenic. Last evaluated: 2024-08-26. Review status: criteria provided, single submitter. Criteria: GeneDx Variant Classification Process June 2021. Collection method: clinical testing. Allele origin: germline. Affected: yes.
Comment: Published functional studies demonstrate that the c.1167delC variant completely abolishes IKBKG activity (PMID: 11179023); Frameshift variant predicted to result in protein truncation, as the last 30 amino acids are replaced with 60 different amino acids, and other loss-of-function variants have been reported downstream (HGMD; PMID: 28702714, 22517901, 11179023); Not observed at significant frequency in large population cohorts (gnomAD); This variant is associated with the following publications: (PMID: 24339369, 28702714, 22517901, 11179023, 22121116)

NM_001099857.5(IKBKG):c.1167del (p.Glu390fs)

Gene: IKBKG (inhibitor of nuclear factor kappa B kinase regulatory subunit gamma; plus strand). Cytogenetic location: Xq28.
Variant type: Deletion.
Coding change: c.1167del on transcript NM_001099857.5 (MANE Select); coding-DNA position 1167, one base deleted (C; older notation c.1167delC).
Protein change: p.Glu390fs; shifts the reading frame from glutamic acid 390.
Molecular consequence: frameshift variant. On other transcripts: non-coding transcript variant (1).
Genome position (GRCh38, 1-based): chrX:154,564,368, C deleted; the last of 7 consecutive C bases (chrX:154,564,362-154,564,368); deleting any one gives the same sequence. VCF-style (leftmost placement, unchanged base first): chrX-154564361-GC-G. GRCh37 (hg19) VCF-style: chrX-153792576-GC-G.
Other names: c.1371del, p.Glu458fs (NM_001099856.6); c.870del, p.Glu291fs (NM_001145255.4); c.1167del, p.Glu390fs (NM_001321396.3, NM_001377312.1, NM_003639.4); c.1164del, p.Glu389fs (NM_001321397.3, NM_001377313.1); c.1011del, p.Glu338fs (NM_001377314.1); c.798del, p.Glu267fs (NM_001377315.1); c.1167delC (NM_003639.3); c.1167del (NM_003639.3); short protein forms E267fs, E291fs, E338fs, E389fs, E390fs, E458fs.
Identifiers: ClinVar variation 1220510 (VCV001220510.4), dbSNP rs782178147, ClinGen allele CA519287162.